The following is an entry in ClinVar:

ClinVar aggregate classification (germline): Pathogenic/Likely pathogenic. Review status: criteria provided, multiple submitters, no conflicts (2 of 4 stars). 8 submissions from 8 submitters: Pathogenic (3); Likely pathogenic (4). 1 of the submissions does not count toward it. Last evaluated 2025-12-22.

Conditions:
Mitochondrial myopathy-cerebellar ataxia-pigmentary retinopathy syndrome. Also called: MYOPATHY, MITOCHONDRIAL, AND ATAXIA. Identifiers: Orphanet 502423, MedGen C4540096, MONDO:0044714, OMIM 617675.
Inborn mitochondrial myopathy. Also called: Mitochondrial Myopathies; Mitochondrial myopathy. Identifiers: Orphanet 206966, MedGen C0162670, MONDO:0009637, HP:0003737.

Allele frequency attached by ClinVar (database versions not stated): gnomAD 0.00012 and 0.00013; TOPMed 0.00014.
gnomAD v4.1: 291 of 1,612,680 alleles (0.018%); highest among the groups gnomAD compares: Non-Finnish European, 0.023%; no homozygotes.

Submissions (8):

Labcorp Genetics (formerly Invitae), Labcorp
Classification: Pathogenic. Last evaluated: 2025-12-22. Review status: criteria provided, single submitter. Criteria: Invitae Variant Classification Sherloc (09022015). Collection method: clinical testing. Allele origin: germline.
Comment: This sequence change replaces aspartic acid, which is acidic and polar, with histidine, which is basic and polar, at codon 236 of the MSTO1 protein (p.Asp236His). This variant is present in population databases (rs753488873, gnomAD 0.02%). This missense change has been observed in individual(s) with MSTO1-related conditions (PMID: 31463572). In at least one individual the data is consistent with being in trans (on the opposite chromosome) from a pathogenic variant. It has also been observed to segregate with disease in related individuals. ClinVar contains an entry for this variant (Variation ID: 977147). Invitae Evidence Modeling of protein sequence and biophysical properties (such as structural, functional, and spatial information, amino acid conservation, physicochemical variation, residue mobility, and thermodynamic stability) indicates that this missense variant is expected to disrupt MSTO1 protein function with a positive predictive value of 95%. For these reasons, this variant has been classified as Pathogenic.

Variantyx, Inc.
Classification: Pathogenic for Mitochondrial myopathy-cerebellar ataxia-pigmentary retinopathy syndrome. Last evaluated: 2025-11-19. Review status: criteria provided, single submitter. Criteria: Variantyx Assertion Criteria 2022. Collection method: clinical testing. Allele origin: germline. Inheritance: Autosomal recessive inheritance.
Comment: This is a nonsynonymous variant in the MSTO1 gene (OMIM: 617619). Pathogenic variants in this gene have been associated with autosomal recessive mitochondrial myopathy and ataxia. This variant has been identified in the homozygous or compound heterozygous state in at least 5 individuals reported in the published literature(PMID: 31463572, 38544359), (PM3_Very_Strong). Computational algorithms produce conflicting evidence regarding the predicted functional impact of this variant (REVEL score: 0.588), but functional studies have shown that this variant alters MSTO1 protein function (PMID: 31463572) (PS3_Moderate). This variant has a 0.0226% maximum allele frequency in non-founder control populations (PM2_Supporting). Based on the current evidence, this variant is classified as pathogenic for autosomal recessive mitochondrial myopathy and ataxia.

GeneDx
Classification: Pathogenic. Last evaluated: 2024-12-02. Review status: criteria provided, single submitter. Criteria: GeneDx Variant Classification Process June 2021. Collection method: clinical testing. Allele origin: germline. Affected: yes.
Comment: In silico analysis supports that this missense variant has a deleterious effect on protein structure/function; This variant is associated with the following publications: (PMID: 31463572, 33163565, 34426522)

Revvity Omics, Revvity
Classification: Likely pathogenic for Mitochondrial myopathy-cerebellar ataxia-pigmentary retinopathy syndrome. Last evaluated: 2022-07-08. Review status: criteria provided, single submitter. Criteria: ACMG Guidelines, 2015. Collection method: clinical testing. Allele origin: germline.

Laboratory for Molecular Medicine, Mass General Brigham Personalized Medicine
Classification: Likely pathogenic for Inborn mitochondrial myopathy. Last evaluated: 2021-01-06. Review status: criteria provided, single submitter. Criteria: ACMG Guidelines, 2015. Collection method: clinical testing. Allele origin: germline. Inheritance: Autosomal recessive inheritance.
Comment: The p.Asp236His variant in MSTO1 has been reported in confirmed compound heterozygous state in 6 probands with childhood-onset muscular dystrophy, mitochondrial myopathy, and cerebellar ataxia, and also segregated with disease in 2 affected relatives in 1 family (Donkervoot 2019, PMID: 31463572; Broad Institute Rare Genomes Project). It has also been identified in 0.01% (17/128336) European chromosomes by gnomAD. However, this frequency is low enough to be consistent with a recessive allele frequency. This variant has also been reported in ClinVar (Variation ID 977147). Functional studies using fibroblasts from affected individuals support that this variant has an impact on protein function (Donkervoot 2019, PMID: 31463572). In summary, although additional studies are required to fully establish its clinical significance, this variant meets criteria to be classified as likely pathogenic for autosomal recessive mitochondrial myopathy and ataxia. ACMG/AMP Criteria applied: PM3, PS3_Moderate, PP1_Moderate, PM2_Supporting.

Broad Center for Mendelian Genomics, Broad Institute of MIT and Harvard
Classification: Likely pathogenic for Mitochondrial myopathy-cerebellar ataxia-pigmentary retinopathy syndrome. Last evaluated: 2020-05-28. Review status: criteria provided, single submitter. Criteria: ACMG Guidelines, 2015. Collection method: research. Allele origin: germline. Inheritance: Autosomal recessive inheritance.
Comment: The heterozygous p.Asp236His variant in MSTO1 was identified by our study, in the compound heterozygous state, along with another variant of uncertain significance, in unrelated 2 individuals with myopathy, mitochondrial, and ataxia. In total, including the previously mentioned probands, this variant has been identified in 4 unrelated probands as well as 2 affected relatives (PMID: 31463572). The presence of this variant in trans with reported variants of uncertain significance in affected individuals increases the likelihood that the p.Asp236His variant is pathogenic (PMID: 31463572). The variant p.Asp236His variant been identified in 0.01% (17/128336) of European (non-Finnish) chromosomes by the Genome Aggregation Database (gnomAD; dbSNP rs753488873). Although this variant has been seen in the general population, its frequency is low enough to be consistent with a recessive carrier frequency. In vitro functional studies provide some evidence that the p.Asp236His variant may impact protein function (PMID: 31463572). However, these types of assays may not accurately represent biological function. Computational prediction tools and conservation analyses do not provide strong support for or against an impact to the protein. In summary, although additional studies are required to fully establish its clinical significance, this variant is likely pathogenic. ACMG/AMP Criteria applied: PS3_moderate, PM3, PM2_supporting, PP1 (Richards 2015).

Harry Perkins Institute Of Medical Research, University Of Western Australia
Classification: Likely pathogenic for Mitochondrial myopathy-cerebellar ataxia-pigmentary retinopathy syndrome. Review status: criteria provided, single submitter. Criteria: ACMG Guidelines, 2015. Collection method: research. Allele origin: maternal. Inheritance: Autosomal recessive inheritance. Affected: yes. Observed: 1 compound heterozygote.
Comment: PP5_very_strong, PM2_supporting. Variant in trans with c.651C>G

OMIM
Classification: Pathogenic for MYOPATHY, MITOCHONDRIAL, AND ATAXIA, AUTOSOMAL RECESSIVE. Last evaluated: 2022-11-10. Review status: no assertion criteria provided. Collection method: literature only. Allele origin: germline. Not counted in ClinVar's aggregate classification.

Literature cited by the submitters: PubMed 31463572 (cited by 6 submitters); PubMed 38544359 (cited by Variantyx, Inc.).

NM_018116.4(MSTO1):c.706G>C (p.Asp236His)

Gene: MSTO1 (misato mitochondrial distribution and morphology regulator 1; plus strand). Cytogenetic location: 1q22.
Variant type: single nucleotide variant.
Coding change: c.706G>C on transcript NM_018116.4 (MANE Select); coding-DNA position 706, G replaced by C.
Protein change: p.Asp236His; replaces aspartic acid 236 with histidine.
Molecular consequence: missense variant. On other transcripts: non-coding transcript variant (6).
Genome position (GRCh38, 1-based): chr1:155,612,209, G>C. VCF-style: chr1-155612209-G-C. GRCh37 (hg19) VCF-style: chr1-155582000-G-C.
Other names: c.706G>C, p.Asp236His (NM_001256532.1, NM_001256533.1, NM_001350772.1 and 3 more transcripts); c.541G>C, p.Asp181His (NM_001350776.1); c.175G>C, p.Asp59His (NM_001350777.1, NM_001350778.1, NM_001350779.1); c.172G>C, p.Asp58His (NM_001350780.1, NM_001350781.1, NM_001350782.1 and 3 more transcripts); c.163G>C, p.Asp55His (NM_001350784.1, NM_001350785.1, NM_001350787.1 and 1 more transcripts); short protein forms D181H, D236H, D55H, D58H, D59H.
Identifiers: ClinVar variation 977147 (VCV000977147.18), dbSNP rs753488873, ClinGen allele CA1147991.
Genomic context (GRCh38, chr1:155,612,209, plus strand): 5'-GCTAACTATCTTTTGTCACTCACCCCCGTCCAGGGCTTCCAGATCCTGTGTGACCTGCAC[G>C]ATGGCTTCTCTGGGGTAGGCGCGAAGGCGGCAGAGCTGCTACAAGATGAATATTCAGGGC-3'
Protein context (NP_060586.2, residues 226-246): QGFQILCDLH[Asp236His]GFSGVGAKAA